The following is an entry in ClinVar:

ClinVar aggregate classification (germline): Uncertain significance (1 of 4 stars; one submission).

Conditions:
Autosomal dominant osteopetrosis 2. Also called: ALBERS-SCHONBERG DISEASE, AUTOSOMAL DOMINANT; MARBLE BONES, AUTOSOMAL DOMINANT; OSTEOSCLEROSIS FRAGILIS GENERALISATA; Osteopetroses; Marble bones; Albers-Schonberg disease. Identifiers: Orphanet 53, MedGen C3179239, MONDO:0008156, OMIM 166600.

Submission:

Neuberg Centre For Genomic Medicine, NCGM
Classification: Uncertain significance for Autosomal dominant osteopetrosis 2. Review status: criteria provided, single submitter. Criteria: ACMG Guidelines, 2015. Collection method: clinical testing. Allele origin: germline. Inheritance: Autosomal dominant inheritance. Affected: yes.
Comment: The missense variant p.M584T in CLCN7 (NM_001287.6) has not been reported previously as a pathogenic variant nor as a benign variant, to our knowledge. The p.M584T variant is novel (not in any individuals) in gnomAD Exomes and is novel (not in any individuals) in 1000 Genomes. The p.M584T missense variant is predicted to be damaging by both SIFT and PolyPhen2. The methionine residue at codon 584 of CLCN7 is conserved in all mammalian species. The nucleotide c.1751 in CLCN7 is predicted conserved by GERP++ and PhyloP across 100 vertebrates. For these reasons, this variant has been classified as Uncertain Significance.

NM_001287.6(CLCN7):c.1751T>C (p.Met584Thr)

Gene: CLCN7 (Cl-/H+ antiporter 7; minus strand). Cytogenetic location: 16p13.3.
Variant type: single nucleotide variant.
Coding change: c.1751T>C on transcript NM_001287.6 (MANE Select); coding-DNA position 1751, T replaced by C.
Protein change: p.Met584Thr; replaces methionine 584 with threonine.
Molecular consequence: missense variant.
Genome position (GRCh38, 1-based): chr16:1,449,012, A>G on the plus strand (T>C on the coding strand, the complement: CLCN7 is on the minus strand). VCF-style: chr16-1449012-A-G. GRCh37 (hg19) VCF-style: chr16-1499013-A-G.
Other names: c.1679T>C, p.Met560Thr (NM_001114331.3); short protein forms M560T, M584T.
Identifiers: ClinVar variation 2627406 (VCV002627406.1), dbSNP rs2505815846, ClinGen allele CA394186679.